The following is an entry in ClinVar:

NM_002637.4(PHKA1):c.1140C>T (p.Val380=)

Gene: PHKA1 (phosphorylase kinase regulatory subunit alpha 1; minus strand). Cytogenetic location: Xq13.1.
Variant type: single nucleotide variant.
Coding change: c.1140C>T on transcript NM_002637.4 (MANE Select); coding-DNA position 1140, C replaced by T.
Protein change: p.Val380=; no amino-acid change (valine 380 retained).
Molecular consequence: synonymous variant.
Genome position (GRCh38, 1-based): chrX:72,652,649, G>A on the plus strand (C>T on the coding strand, the complement: PHKA1 is on the minus strand). VCF-style: chrX-72652649-G-A. GRCh37 (hg19) VCF-style: chrX-71872499-G-A.
Other names: c.1140C>T, p.Val380= (NM_001122670.2, NM_001172436.2).
Identifiers: ClinVar variation 390424 (VCV000390424.3), dbSNP rs782278481, ClinGen allele CA10450919.
Genomic context (GRCh38, chrX:72,652,649, plus strand): 5'-GTGAGGCAATTTCCCCATGGGGACTCGGTCCACAGTGTGAGGATTCTGATATTCTTCATC[G>A]ACCTAAAAGAAAAGATGAAGAGGCCAGATGAGGAATAATAGAAGGTTTAAGATACTGGAT-3'
Protein context (NP_002628.2, residues 370-390): PELYSVPPDR[Val380=]DEEYQNPHTV

ClinVar aggregate classification (germline): Likely benign. Review status: criteria provided, single submitter (1 of 4 stars). 2 submissions from 2 submitters: Likely benign (1). 1 of the submissions does not count toward it. Last evaluated 2016-11-15.

Conditions:
PHKA1-related disorder. Also called: PHKA1-related condition.

gnomAD v4.1: 6 of 1,109,067 alleles (0.00054%); highest among the groups gnomAD compares: South Asian, 0.0093%; no homozygotes.

Submissions (2):

GeneDx
Classification: Likely benign. Last evaluated: 2016-11-15. Review status: criteria provided, single submitter. Criteria: GeneDx Variant Classification (06012015). Collection method: clinical testing. Allele origin: germline. Affected: yes.
Comment: This variant is considered likely benign or benign based on one or more of the following criteria: it is a conservative change, it occurs at a poorly conserved position in the protein, it is predicted to be benign by multiple in silico algorithms, and/or has population frequency not consistent with disease.

PreventionGenetics, part of Exact Sciences
Classification: Likely benign for PHKA1-related condition. Last evaluated: 2019-04-29. Review status: no assertion criteria provided. Collection method: clinical testing. Allele origin: germline. Not counted in ClinVar's aggregate classification.
Comment: This variant is classified as likely benign based on ACMG/AMP sequence variant interpretation guidelines (Richards et al. 2015 PMID: 25741868, with internal and published modifications).